The following is an entry in ClinVar:

ClinVar aggregate classification (germline): Pathogenic/Likely pathogenic. Review status: criteria provided, multiple submitters, no conflicts (2 of 4 stars). 2 submissions from 2 submitters: Pathogenic (1); Likely pathogenic (1). Last evaluated 2025-11-02.

Conditions:
Heimler syndrome 1 (HMLR1). Also called: PEROXISOME BIOGENESIS DISORDER 1C. Identifiers: Orphanet 3220, MedGen C4551980, OMIM 234580, MONDO:0024544.
Peroxisome biogenesis disorder. Identifiers: Orphanet 79189, MedGen C1832200, MONDO:0019234. Disease mechanism: loss of function.

Submissions (2):

Myriad Genetics, Inc.
Classification: Pathogenic for Peroxisome biogenesis disorder. Last evaluated: 2025-11-02. Review status: criteria provided, single submitter. Criteria: Myriad Autosomal Dominant, Autosomal Recessive and X-Linked Classification Criteria (2023). Collection method: clinical testing. Allele origin: unknown.
Comment: NM_000466.2(PEX1):c.513delT(D172Tfs*38) is expected to be pathogenic in the context of peroxisome biogenesis disorder type 1. This variant is predicted to lead to an abnormal or absent protein product due to the creation of a premature termination codon in PEX1, a gene where loss-of-function variants are known to be pathogenic. Please note: this variant was assessed in the context of healthy population screening.

Baylor Genetics
Classification: Likely pathogenic for Heimler syndrome 1. Last evaluated: 2023-11-21. Review status: criteria provided, single submitter. Criteria: ACMG Guidelines, 2015. Collection method: clinical testing. Allele origin: unknown.

NM_000466.3(PEX1):c.513del (p.Asp172fs)

Gene: PEX1 (peroxisomal biogenesis factor 1; minus strand). Cytogenetic location: 7q21.2.
Variant type: Deletion.
Coding change: c.513del on transcript NM_000466.3 (MANE Select); coding-DNA position 513, one base deleted (T; older notation c.513delT).
Protein change: p.Asp172fs; shifts the reading frame from aspartic acid 172.
Molecular consequence: frameshift variant. On other transcripts: 5 prime UTR variant (1).
Genome position (GRCh38, 1-based): chr7:92,518,002, A deleted on the plus strand (T on the coding strand, the reverse complement: PEX1 is on the minus strand). VCF-style (leftmost placement, unchanged base first): chr7-92518001-CA-C. GRCh37 (hg19) VCF-style: chr7-92147315-CA-C.
Other names: c.513del, p.Asp172fs (NM_001282677.2); c.-112del (NM_001282678.2); short protein forms D172fs.
Identifiers: ClinVar variation 3240079 (VCV003240079.2), dbSNP rs2484704264.